The following is an entry in ClinVar:

NM_001034853.2(RPGR):c.2933A>G (p.Glu978Gly)

Gene: RPGR (retinitis pigmentosa GTPase regulator; minus strand). Cytogenetic location: Xp11.4.
Variant type: single nucleotide variant.
Coding change: c.2933A>G on transcript NM_001034853.2 (MANE Select); coding-DNA position 2933, A replaced by G.
Protein change: p.Glu978Gly; replaces glutamic acid 978 with glycine.
Molecular consequence: missense variant. On other transcripts: intron variant (8).
Genome position (GRCh38, 1-based): chrX:38,286,066, T>C on the plus strand (A>G on the coding strand, the complement: RPGR is on the minus strand). VCF-style: chrX-38286066-T-C. GRCh37 (hg19) VCF-style: chrX-38145319-T-C.
Other names: c.1569+4893A>G (NM_001367249.1, NM_001367250.1); c.1902+1028A>G (NM_001367245.1); c.1386+4893A>G (NM_001367251.1); c.1719+1028A>G (NM_001367246.1); c.1572+4893A>G (NM_001367247.1); c.1905+1028A>G (NM_000328.3); c.1602+4893A>G (NM_001367248.1); short protein forms E978G.
Identifiers: ClinVar variation 3017511 (VCV003017511.2), dbSNP rs1164360013, ClinGen allele CA412729420.

ClinVar aggregate classification (germline): Uncertain significance (1 of 4 stars; one submission).

Conditions:
Primary ciliary dyskinesia. Also called: Ciliary dyskinesia. Identifiers: Orphanet 244, MedGen C0008780, MONDO:0016575, HP:0012265.

Allele frequency attached by ClinVar (database versions not stated): gnomAD exomes 0.00002.

Submission:

Labcorp Genetics (formerly Invitae), Labcorp
Classification: Uncertain significance for Primary ciliary dyskinesia. Last evaluated: 2024-12-16. Review status: criteria provided, single submitter. Criteria: Invitae Variant Classification Sherloc (09022015). Collection method: clinical testing. Allele origin: germline.
Comment: This sequence change replaces glutamic acid, which is acidic and polar, with glycine, which is neutral and non-polar, at codon 978 of the RPGR (ORF15) protein (p.Glu978Gly). The frequency data for this variant in the population databases is considered unreliable, as metrics indicate poor data quality at this position in the gnomAD database. This variant has not been reported in the literature in individuals affected with RPGR (ORF15)-related conditions. ClinVar contains an entry for this variant (Variation ID: 3017511). Invitae Evidence Modeling of protein sequence and biophysical properties (such as structural, functional, and spatial information, amino acid conservation, physicochemical variation, residue mobility, and thermodynamic stability) indicates that this missense variant is not expected to disrupt RPGR (ORF15) protein function with a negative predictive value of 95%. In summary, the available evidence is currently insufficient to determine the role of this variant in disease. Therefore, it has been classified as a Variant of Uncertain Significance.